The following is an entry in ClinVar:

ClinVar aggregate classification (germline): Uncertain significance (1 of 4 stars; one submission).

Conditions:
Bartter disease type 5. Also called: Bartter syndrome, type 5, antenatal, transient. Identifiers: Orphanet 112, Orphanet 570371, MedGen C4310820, MONDO:0010503, OMIM 300971.

Submission:

Institute of Human Genetics, University of Leipzig Medical Center
Classification: Uncertain significance for Bartter disease type 5. Last evaluated: 2024-12-16. Review status: criteria provided, single submitter. Criteria: ACMG Guidelines, 2015. Collection method: clinical testing. Allele origin: de novo. Affected: yes.
Comment: Criteria applied: PS2_MOD, PM2, PP3

NM_177433.3(MAGED2):c.1208+96G>A

Gene: MAGED2 (MAGE family member D2; plus strand). Cytogenetic location: Xp11.21.
Variant type: single nucleotide variant.
Coding change: c.1208+96G>A on transcript NM_177433.3 (MANE Select); 96 bases into the intron after coding-DNA position 1208, G replaced by A.
Molecular consequence: intron variant.
Genome position (GRCh38, 1-based): chrX:54,813,256, G>A. VCF-style: chrX-54813256-G-A. GRCh37 (hg19) VCF-style: chrX-54839689-G-A.
Other names: c.1208+96G>A (NM_014599.6, NM_201222.3).
Identifiers: ClinVar variation 3572901 (VCV003572901.2).
Genomic context (GRCh38, chrX:54,813,256, plus strand): 5'-TTGTCCTTTGGCAAGAGAGGACGGTCCTAGGATTGCATCAGTCTGGTGGTCTGGTGGAGC[G>A]GGTGGGGTGCTGGACTGGGTAGAGGGCCCAGGGTTCTGACCTGGGTGGATGATGGGTGAA-3'